The following is an entry in ClinVar:

ClinVar aggregate classification (germline): Conflicting classifications of pathogenicity. Review status: criteria provided, conflicting classifications (1 of 4 stars). 4 submissions from 4 submitters: Uncertain significance (2); Likely benign (1). 1 of the submissions does not count toward it. Last evaluated 2025-09-12.

Conditions:
FBN2-related disorder. Also called: FBN2-related condition.
Familial thoracic aortic aneurysm and aortic dissection (TAAD). Also called: Thoracic aortic aneurysms and dissections. Identifiers: Orphanet 91387, MedGen C4707243, MONDO:0019625.
Congenital contractural arachnodactyly (CCA). Also called: Beals-Hecht syndrome; BEALS SYNDROME; Arthrogryposis, distal, type 9. Identifiers: Orphanet 115, MedGen C0220668, MONDO:0007363, OMIM 121050.

gnomAD v4.1: 32 of 1,611,480 alleles (0.002%); highest among the groups gnomAD compares: Non-Finnish European, 0.0023%; no homozygotes.

Submissions (4):

Ambry Genetics
Classification: Uncertain significance for Familial thoracic aortic aneurysm and aortic dissection. Last evaluated: 2025-09-12. Review status: criteria provided, single submitter. Criteria: Ambry Variant Classification Scheme 2023. Collection method: clinical testing. Allele origin: germline.
Comment: The p.R2362K variant (also known as c.7085G>A), located in coding exon 56 of the FBN2 gene, results from a G to A substitution at nucleotide position 7085. The arginine at codon 2362 is replaced by lysine, an amino acid with highly similar properties. This amino acid position is highly conserved in available vertebrate species. In addition, the in silico prediction for this alteration is inconclusive. Based on the available evidence, the clinical significance of this variant remains unclear.

Labcorp Genetics (formerly Invitae), Labcorp
Classification: Likely benign for Congenital contractural arachnodactyly. Last evaluated: 2025-01-29. Review status: criteria provided, single submitter. Criteria: Invitae Variant Classification Sherloc (09022015). Collection method: clinical testing. Allele origin: germline.

GeneDx
Classification: Uncertain significance. Last evaluated: 2014-06-05. Review status: criteria provided, single submitter. Criteria: GeneDx Variant Classification (06012015). Collection method: clinical testing. Allele origin: germline. Affected: yes.
Comment: p.Arg2362Lys (AGA>AAA): c.7085 G>A in exon 56 of the FBN2 gene (NM_001999.3) The R2362K variant has not been published as a mutation, nor has it been reported as a benign polymorphism to our knowledge. The R2362K variant was not observed in approximately 6,500 individuals of European and African American ancestry in the NHLBI Exome Sequencing Project, indicating it is not a common benign variant in these populations.This substitution occurs at a position that is conserved across species. However, the R2362K variant is a conservative amino acid substitution, which is not likely to impact secondary protein structure as these residues share similar properties. In silico algorithms are not consistent in their predictions but at least two concur that R2362K is benign to the protein structure/function. Furthermore, no missense mutations have been reported in nearby residues in association with congenital contratural arachnodactyly, indicating this region of the protein may be tolerant of change. Therefore, based on the currently available information, it is unclear whether this variant is a pathogenic mutation or a rare benign variant. This variant was found in TAAD

PreventionGenetics, part of Exact Sciences
Classification: Uncertain significance for FBN2-related condition. Last evaluated: 2024-09-10. Review status: no assertion criteria provided. Collection method: clinical testing. Allele origin: germline. Not counted in ClinVar's aggregate classification.
Comment: The FBN2 c.7085G>A variant is predicted to result in the amino acid substitution p.Arg2362Lys. To our knowledge, this variant has not been reported in the literature. This variant is reported in 0.0071% of alleles in individuals of European (Non-Finnish) descent in gnomAD. At this time, the clinical significance of this variant is uncertain due to the absence of conclusive functional and genetic evidence.

NM_001999.4(FBN2):c.7085G>A (p.Arg2362Lys)

Gene: FBN2 (fibrillin 2; minus strand). Cytogenetic location: 5q23.3.
Variant type: single nucleotide variant.
Coding change: c.7085G>A on transcript NM_001999.4 (MANE Select); coding-DNA position 7085, G replaced by A.
Protein change: p.Arg2362Lys; replaces arginine 2362 with lysine.
Molecular consequence: missense variant.
Genome position (GRCh38, 1-based): chr5:128,280,245, C>T on the plus strand (G>A on the coding strand, the complement: FBN2 is on the minus strand). VCF-style: chr5-128280245-C-T. GRCh37 (hg19) VCF-style: chr5-127615937-C-T.
Other names: short protein forms R2362K.
Identifiers: ClinVar variation 213356 (VCV000213356.13), dbSNP rs771718967, ClinGen allele CA321309.